The following is an entry in ClinVar:

NM_024747.6(HPS6):c.1261C>G (p.Leu421Val)

Gene: HPS6 (HPS6 biogenesis of lysosomal organelles complex 2 subunit 3; plus strand). Cytogenetic location: 10q24.32.
Variant type: single nucleotide variant.
Coding change: c.1261C>G on transcript NM_024747.6 (MANE Select); coding-DNA position 1261, C replaced by G.
Protein change: p.Leu421Val; replaces leucine 421 with valine.
Molecular consequence: missense variant.
Genome position (GRCh38, 1-based): chr10:102,066,735, C>G. VCF-style: chr10-102066735-C-G. GRCh37 (hg19) VCF-style: chr10-103826492-C-G.
Other names: short protein forms L421V.
Identifiers: ClinVar variation 667247 (VCV000667247.4), dbSNP rs1590263556, ClinGen allele CA377865911.

ClinVar aggregate classification (germline): Uncertain significance (1 of 4 stars; one submission).

Allele frequency attached by ClinVar (database versions not stated): gnomAD exomes below 0.00001.

Submission:

Laboratory for Molecular Medicine, Mass General Brigham Personalized Medicine
Classification: Uncertain significance. Last evaluated: 2018-12-31. Review status: criteria provided, single submitter. Criteria: LMM Criteria. Collection method: clinical testing. Allele origin: germline. Observed: 1 variant allele.
Comment: The p.Leu421Val variant in HPS6 has not been previously reported in individuals with Hermansky-Pudlak syndrome and was absent from large population studies. Com putational prediction tools and conservation analysis suggest that the p.Leu421V al variant may impact the protein, though this information is not predictive eno ugh to determine pathogenicity. In summary, the clinical significance of the p.L eu421Val variant is uncertain. ACMG/AMP Criteria applied: PM2, PP3